The following is an entry in ClinVar:

ClinVar aggregate classification (germline): Uncertain significance (1 of 4 stars; one submission).

Allele frequency attached by ClinVar (database versions not stated): gnomAD exomes 0.00003; TOPMed 0.00003; gnomAD 0.00004; ExAC 0.00005.
gnomAD v4.1: 43 of 1,613,688 alleles (0.0027%); highest among the groups gnomAD compares: South Asian, 0.0044%; no homozygotes.

Submission:

Labcorp Genetics (formerly Invitae), Labcorp
Classification: Uncertain significance. Last evaluated: 2022-11-08. Review status: criteria provided, single submitter. Criteria: Invitae Variant Classification Sherloc (09022015). Collection method: clinical testing. Allele origin: germline.
Comment: This variant is present in population databases (rs763922724, gnomAD 0.006%). This sequence change replaces arginine, which is basic and polar, with cysteine, which is neutral and slightly polar, at codon 1227 of the SPEG protein (p.Arg1227Cys). This variant has not been reported in the literature in individuals affected with SPEG-related conditions. In summary, the available evidence is currently insufficient to determine the role of this variant in disease. Therefore, it has been classified as a Variant of Uncertain Significance. Algorithms developed to predict the effect of missense changes on protein structure and function are either unavailable or do not agree on the potential impact of this missense change (SIFT: "Deleterious"; PolyPhen-2: "Probably Damaging"; Align-GVGD: "Class C0"). ClinVar contains an entry for this variant (Variation ID: 1349468).

NM_005876.5(SPEG):c.3679C>T (p.Arg1227Cys)

Gene: SPEG (striated muscle enriched protein kinase; plus strand). Cytogenetic location: 2q35.
Variant type: single nucleotide variant.
Coding change: c.3679C>T on transcript NM_005876.5 (MANE Select); coding-DNA position 3679, C replaced by T.
Protein change: p.Arg1227Cys; replaces arginine 1227 with cysteine.
Molecular consequence: missense variant.
Genome position (GRCh38, 1-based): chr2:219,469,343, C>T. VCF-style: chr2-219469343-C-T. GRCh37 (hg19) VCF-style: chr2-220334065-C-T.
Other names: short protein forms R1227C.
Identifiers: ClinVar variation 1349468 (VCV001349468.6), dbSNP rs763922724, ClinGen allele CA2126234.